The following is an entry in ClinVar:

ClinVar aggregate classification (germline): Conflicting classifications of pathogenicity. Review status: criteria provided, conflicting classifications (1 of 4 stars). 6 submissions from 6 submitters: Likely pathogenic (1); Uncertain significance (5). Last evaluated 2026-04-14.

Conditions:
Bardet-Biedl syndrome 20. Identifiers: MedGen C4310707, MONDO:0023670, OMIM 619471, MONDO:0014926.
Retinitis pigmentosa 71 (RP71). Identifiers: Orphanet 791, MedGen C4225342, MONDO:0014618, OMIM 616394.
Short-rib thoracic dysplasia 10 with or without polydactyly (SRTD10). Identifiers: Orphanet 474, MedGen C3810175, MONDO:0014284, OMIM 615630.
Bardet-Biedl syndrome (BBS). Identifiers: Orphanet 110, MedGen C0752166, MONDO:0015229.
IFT172-related disorder. Also called: IFT172-related condition; IFT172-related disorders.
Inborn genetic diseases. Identifiers: MedGen C0950123, MeSH D030342.

Allele frequency attached by ClinVar (database versions not stated): gnomAD 0.00001 and below 0.00001; TOPMed 0.00001; gnomAD exomes 0.00002; ExAC 0.00004; 1000 Genomes Project 30x 0.00016; 1000 Genomes Project 0.00020.
gnomAD v4.1: 20 of 1,614,012 alleles (0.0012%); highest among the groups gnomAD compares: South Asian, 0.021%; no homozygotes.

Submissions (6):

PreventionGenetics, part of Exact Sciences
Classification: Uncertain significance for IFT172-related condition. Last evaluated: 2026-04-14. Review status: criteria provided, single submitter. Criteria: ACMG Guidelines, 2015. Collection method: clinical testing. Allele origin: germline.
Comment: The IFT172 c.3824G>T variant is predicted to result in the amino acid substitution p.Gly1275Val. This variant has been reported in an individual who also harbored an IQCB1 variant, presenting with Bardet-Biedl syndrome (Gnanasekaran et al. 2023. PubMed ID: 37431782). This variant is reported in 0.020% of alleles in individuals of South Asian descent in gnomAD. At this time, the clinical significance of this variant is uncertain due to the absence of conclusive functional and genetic evidence.

Fulgent Genetics
Classification: Uncertain significance for Short-rib thoracic dysplasia 10 with or without polydactyly; Retinitis pigmentosa 71; Bardet-Biedl syndrome 20. Last evaluated: 2024-01-30. Review status: criteria provided, single submitter. Criteria: ACMG Guidelines, 2015. Collection method: clinical testing. Allele origin: germline.

Blueprint Genetics
Classification: Uncertain significance. Last evaluated: 2023-08-08. Review status: criteria provided, single submitter. Criteria: ACMG Guidelines, 2015. Collection method: clinical testing. Allele origin: germline.

Ambry Genetics
Classification: Uncertain significance for Inborn genetic diseases. Last evaluated: 2022-11-08. Review status: criteria provided, single submitter. Criteria: Ambry Variant Classification Scheme 2023. Collection method: clinical testing. Allele origin: germline.

Labcorp Genetics (formerly Invitae), Labcorp
Classification: Uncertain significance for Retinitis pigmentosa 71; Short-rib thoracic dysplasia 10 with or without polydactyly. Last evaluated: 2022-02-03. Review status: criteria provided, single submitter. Criteria: Invitae Variant Classification Sherloc (09022015). Collection method: clinical testing. Allele origin: germline.
Comment: This sequence change replaces glycine, which is neutral and non-polar, with valine, which is neutral and non-polar, at codon 1275 of the IFT172 protein (p.Gly1275Val). This variant is present in population databases (rs543062539, gnomAD 0.02%). This variant has not been reported in the literature in individuals affected with IFT172-related conditions. ClinVar contains an entry for this variant (Variation ID: 1002102). Algorithms developed to predict the effect of missense changes on protein structure and function are either unavailable or do not agree on the potential impact of this missense change (SIFT: "Deleterious"; PolyPhen-2: "Benign"; Align-GVGD: "Class C0"). In summary, the available evidence is currently insufficient to determine the role of this variant in disease. Therefore, it has been classified as a Variant of Uncertain Significance.

SN ONGC Dept of Genetics and Molecular biology Vision Research Foundation
Classification: Likely pathogenic for Bardet-Biedl syndrome. Review status: criteria provided, single submitter. Criteria: ACMG Guidelines, 2015. Collection method: research. Allele origin: biparental. Affected: yes. Observed: 1 heterozygote.
Comment: This variant was observed in digenic inheritance with the variant NC_000003.11:g.121516066G>A.

NM_015662.3(IFT172):c.3824G>T (p.Gly1275Val)

Genes: IFT172 (intraflagellar transport 172; minus strand), LOC126806173 (BRD4-independent group 4 enhancer GRCh37_chr2:27676057-27677256; plus strand). Cytogenetic location: 2p23.3.
Variant type: single nucleotide variant.
Coding change: c.3824G>T on transcript NM_015662.3 (MANE Select); coding-DNA position 3824, G replaced by T.
Protein change: p.Gly1275Val; replaces glycine 1275 with valine.
Molecular consequence: missense variant.
Genome position (GRCh38, 1-based): chr2:27,453,511, C>A on the plus strand (G>T on the coding strand, the complement: IFT172 is on the minus strand). VCF-style: chr2-27453511-C-A. GRCh37 (hg19) VCF-style: chr2-27676378-C-A.
Other names: c.3824G>T (NM_015662.1, NM_015662.2); short protein forms G1275V.
Identifiers: ClinVar variation 1002102 (VCV001002102.14), dbSNP rs543062539, ClinGen allele CA1579843.
Genomic context (GRCh38, chr2:27,453,511, plus strand): 5'-GCACGGCTGTACTCTCCAGCCTGCTCCCAGTGTCGAGCTTGTTCCACAAATCCCTCCACA[C>A]CCCTGTGGAGATGAGAGCGCTGGGACTTGGCATGGTAGGGGGGCAGCATGCTCTATCCTG-3'
Protein context (NP_056477.1, residues 1265-1285): EREATKKGAR[Gly1275Val]VEGFVEQARH